The following is an entry in ClinVar:

ClinVar aggregate classification (germline): Uncertain significance (1 of 4 stars; one submission).

Allele frequency attached by ClinVar (database versions not stated): gnomAD 0.00001.
gnomAD v4.1: 1 of 1,612,924 alleles (0.000062%); highest among the groups gnomAD compares: African/African-American, 0.0013%; no homozygotes.

Submission:

Labcorp Genetics (formerly Invitae), Labcorp
Classification: Uncertain significance. Last evaluated: 2023-12-16. Review status: criteria provided, single submitter. Criteria: Invitae Variant Classification Sherloc (09022015). Collection method: clinical testing. Allele origin: germline.
Comment: This sequence change replaces leucine, which is neutral and non-polar, with valine, which is neutral and non-polar, at codon 705 of the CLCN6 protein (p.Leu705Val). This variant is not present in population databases (gnomAD no frequency). This variant has not been reported in the literature in individuals affected with CLCN6-related conditions. An algorithm developed to predict the effect of missense changes on protein structure and function (PolyPhen-2) suggests that this variant is likely to be tolerated. In summary, the available evidence is currently insufficient to determine the role of this variant in disease. Therefore, it has been classified as a Variant of Uncertain Significance.

NM_001286.5(CLCN6):c.2113C>G (p.Leu705Val)

Gene: CLCN6 (chloride voltage-gated channel 6; plus strand). Cytogenetic location: 1p36.22.
Variant type: single nucleotide variant.
Coding change: c.2113C>G on transcript NM_001286.5 (MANE Select); coding-DNA position 2113, C replaced by G.
Protein change: p.Leu705Val; replaces leucine 705 with valine.
Molecular consequence: missense variant. On other transcripts: non-coding transcript variant (1).
Genome position (GRCh38, 1-based): chr1:11,837,131, C>G. VCF-style: chr1-11837131-C-G. GRCh37 (hg19) VCF-style: chr1-11897188-C-G.
Other names: c.2047C>G, p.Leu683Val (NM_001256959.2); short protein forms L683V, L705V.
Identifiers: ClinVar variation 2703516 (VCV002703516.3), dbSNP rs1644960375, ClinGen allele CA338440076.